The following is an entry in ClinVar:

ClinVar aggregate classification (germline): Uncertain significance (1 of 4 stars; one submission).

Conditions:
Cataract 33. Also called: CATARACT 33, CORTICAL. Identifiers: Orphanet 91492, MedGen C3808107, MONDO:0012665, OMIM 611391.

Allele frequency attached by ClinVar (database versions not stated): gnomAD exomes 0.00004; ExAC 0.00005; TOPMed 0.00007; gnomAD 0.00009.
gnomAD v4.1: 82 of 1,613,974 alleles (0.0051%); highest among the groups gnomAD compares: African/African-American, 0.0027%; no homozygotes.

Submission:

Labcorp Genetics (formerly Invitae), Labcorp
Classification: Uncertain significance for Cataract 33. Last evaluated: 2025-07-28. Review status: criteria provided, single submitter. Criteria: Invitae Variant Classification Sherloc (09022015). Collection method: clinical testing. Allele origin: germline.
Comment: This sequence change replaces arginine, which is basic and polar, with glutamine, which is neutral and polar, at codon 293 of the BFSP1 protein (p.Arg293Gln). This variant is present in population databases (rs761925038, gnomAD 0.2%). This variant has not been reported in the literature in individuals affected with BFSP1-related conditions. ClinVar contains an entry for this variant (Variation ID: 2158997). Invitae Evidence Modeling of protein sequence and biophysical properties (such as structural, functional, and spatial information, amino acid conservation, physicochemical variation, residue mobility, and thermodynamic stability) indicates that this missense variant is not expected to disrupt BFSP1 protein function with a negative predictive value of 80%. In summary, the available evidence is currently insufficient to determine the role of this variant in disease. Therefore, it has been classified as a Variant of Uncertain Significance.

NM_001195.5(BFSP1):c.878G>A (p.Arg293Gln)

Gene: BFSP1 (beaded filament structural protein 1; minus strand). Cytogenetic location: 20p12.1.
Variant type: single nucleotide variant.
Coding change: c.878G>A on transcript NM_001195.5 (MANE Select); coding-DNA position 878, G replaced by A.
Protein change: p.Arg293Gln; replaces arginine 293 with glutamine.
Molecular consequence: missense variant.
Genome position (GRCh38, 1-based): chr20:17,498,898, C>T on the plus strand (G>A on the coding strand, the complement: BFSP1 is on the minus strand). VCF-style: chr20-17498898-C-T. GRCh37 (hg19) VCF-style: chr20-17479543-C-T.
Other names: c.503G>A, p.Arg168Gln (NM_001161705.2); c.461G>A, p.Arg154Gln (NM_001278606.2, NM_001278608.2); c.545G>A, p.Arg182Gln (NM_001278607.2); short protein forms R182Q, R154Q, R168Q, R293Q.
Identifiers: ClinVar variation 2158997 (VCV002158997.4), dbSNP rs761925038, ClinGen allele CA9772186.
Genomic context (GRCh38, chr20:17,498,898, plus strand): 5'-ATGATACGATGATACCGGTCCAGCTCATTCTTCAGGGTTTGCTGGGCGACCGCCAGCTGC[C>T]GGCAGTCGTAAGAAGACTTCTCCAGGACCCGCTCTGTCTCCTCAATCTCCTTGCGCAGTG-3'
Protein context (NP_001186.1, residues 283-303): RVLEKSSYDC[Arg293Gln]QLAVAQQTLK